The following is an entry in ClinVar:

NM_138711.6(PPARG):c.1219A>G (p.Ile407Val)

Gene: PPARG (peroxisome proliferator activated receptor gamma; plus strand). Cytogenetic location: 3p25.2.
Variant type: single nucleotide variant.
Coding change: c.1219A>G on transcript NM_138711.6 (MANE Select); coding-DNA position 1219, A replaced by G.
Protein change: p.Ile407Val; replaces isoleucine 407 with valine.
Molecular consequence: missense variant. On other transcripts: 3 prime UTR variant (5).
Genome position (GRCh38, 1-based): chr3:12,433,936, A>G. VCF-style: chr3-12433936-A-G. GRCh37 (hg19) VCF-style: chr3-12475435-A-G.
Other names: c.*21A>G (NM_001330615.4, NM_001374261.3, NM_001374262.3 and 1 more transcripts); c.1219A>G, p.Ile407Val (NM_001354666.3, NM_001354667.3, NM_001374263.2 and 3 more transcripts); c.592A>G, p.Ile198Val (NM_001354669.2); c.*5A>G (NM_001374266.1); c.1309A>G, p.Ile437Val (NM_015869.5); short protein forms I198V, I407V, I437V.
Identifiers: ClinVar variation 4979188 (VCV004979188.1).

ClinVar aggregate classification (germline): Uncertain significance (1 of 4 stars; one submission).

Conditions:
PPARG-related disorder. Also called: PPARG-related condition; PPARG-related disorders.

gnomAD v4.1: 33 of 1,614,126 alleles (0.002%); highest among the groups gnomAD compares: Non-Finnish European, 0.0027%; no homozygotes.

Submission:

PreventionGenetics, part of Exact Sciences
Classification: Uncertain significance for PPARG-related condition. Last evaluated: 2026-06-22. Review status: criteria provided, single submitter. Criteria: ACMG Guidelines, 2015. Collection method: clinical testing. Allele origin: germline.
Comment: The PPARG c.1309A>G variant is predicted to result in the amino acid substitution p.Ile437Val. Using an alternate transcript (NM_005037.5), this variant is also referred to as c.1225A>G (p.Ile409Val). This variant was reported in an individual with hypertriglyceridemia (Table S2, Deshotels et al. 2022. PubMed ID: 36325899). This variant is reported in 0.012% of alleles in individuals of European (non-Finnish) descent in gnomAD. At this time, the clinical significance of this variant is uncertain due to the absence of conclusive functional and genetic evidence.